The following is an entry in ClinVar:

NM_000815.5(GABRD):c.1345G>T (p.Ala449Ser)

Gene: GABRD (gamma-aminobutyric acid type A receptor subunit delta; plus strand). Cytogenetic location: 1p36.33.
Variant type: single nucleotide variant.
Coding change: c.1345G>T on transcript NM_000815.5 (MANE Select); coding-DNA position 1345, G replaced by T.
Protein change: p.Ala449Ser; replaces alanine 449 with serine.
Molecular consequence: missense variant.
Genome position (GRCh38, 1-based): chr1:2,030,268, G>T. VCF-style: chr1-2030268-G-T. GRCh37 (hg19) VCF-style: chr1-1961707-G-T.
Other names: short protein forms A449S.
Identifiers: ClinVar variation 1718460 (VCV001718460.5), dbSNP rs868533837, ClinGen allele CA337961205.

ClinVar aggregate classification (germline): Uncertain significance (1 of 4 stars; one submission).

Conditions:
Idiopathic generalized epilepsy. Also called: EIG; Generalised epilepsy. Identifiers: MedGen C0270850, MONDO:0005579, OMIM 600669.

Allele frequency attached by ClinVar (database versions not stated): TOPMed below 0.00001; gnomAD 0.00001.

Submission:

Labcorp Genetics (formerly Invitae), Labcorp
Classification: Uncertain significance for Idiopathic generalized epilepsy. Last evaluated: 2022-08-31. Review status: criteria provided, single submitter. Criteria: Invitae Variant Classification Sherloc (09022015). Collection method: clinical testing. Allele origin: germline.
Comment: This sequence change replaces alanine, which is neutral and non-polar, with serine, which is neutral and polar, at codon 449 of the GABRD protein (p.Ala449Ser). This variant is not present in population databases (gnomAD no frequency). This variant has not been reported in the literature in individuals affected with GABRD-related conditions. Algorithms developed to predict the effect of missense changes on protein structure and function are either unavailable or do not agree on the potential impact of this missense change (SIFT: "Tolerated"; PolyPhen-2: "Probably Damaging"; Align-GVGD: "Class C0"). In summary, the available evidence is currently insufficient to determine the role of this variant in disease. Therefore, it has been classified as a Variant of Uncertain Significance.